The following is an entry in ClinVar:

ClinVar aggregate classification (germline): Uncertain significance. Review status: criteria provided, multiple submitters, no conflicts (2 of 4 stars). 2 submissions from 2 submitters: Uncertain significance (2). Last evaluated 2025-04-24.

Conditions:
Inborn genetic diseases. Identifiers: MedGen C0950123, MeSH D030342.
Microcephaly-intellectual disability-sensorineural hearing loss-epilepsy-abnormal muscle tone syndrome (NEDHSB). Also called: NEURODEVELOPMENTAL DISORDER WITH HEARING LOSS, SEIZURES, AND BRAIN ABNORMALITIES. Identifiers: Orphanet 457351, MedGen C4225276, MONDO:0014698, OMIM 616577.

Submissions (2):

Ambry Genetics
Classification: Uncertain significance for Inborn genetic diseases. Last evaluated: 2025-04-24. Review status: criteria provided, single submitter. Criteria: Ambry Variant Classification Scheme 2023. Collection method: clinical testing. Allele origin: germline.

Labcorp Genetics (formerly Invitae), Labcorp
Classification: Uncertain significance for Microcephaly-intellectual disability-sensorineural hearing loss-epilepsy-abnormal muscle tone syndrome. Last evaluated: 2019-09-29. Review status: criteria provided, single submitter. Criteria: Invitae Variant Classification Sherloc (09022015). Collection method: clinical testing. Allele origin: germline.
Comment: In summary, the available evidence is currently insufficient to determine the role of this variant in disease. Therefore, it has been classified as a Variant of Uncertain Significance. Algorithms developed to predict the effect of missense changes on protein structure and function are either unavailable or do not agree on the potential impact of this missense change (SIFT: "Deleterious"; PolyPhen-2: "Benign"; Align-GVGD: "Class C0"). This variant has not been reported in the literature in individuals with SPATA5-related conditions. This variant is not present in population databases (ExAC no frequency). This sequence change replaces threonine with serine at codon 89 of the SPATA5 protein (p.Thr89Ser). The threonine residue is highly conserved and there is a small physicochemical difference between threonine and serine.

NM_145207.3(AFG2A):c.266C>G (p.Thr89Ser)

Gene: AFG2A (AAA ATPase AFG2A; plus strand). Cytogenetic location: 4q28.1.
Variant type: single nucleotide variant.
Coding change: c.266C>G on transcript NM_145207.3 (MANE Select); coding-DNA position 266, C replaced by G.
Protein change: p.Thr89Ser; replaces threonine 89 with serine.
Molecular consequence: missense variant.
Genome position (GRCh38, 1-based): chr4:122,927,736, C>G. VCF-style: chr4-122927736-C-G. GRCh37 (hg19) VCF-style: chr4-123848891-C-G.
Other names: c.263C>G, p.Thr88Ser (NM_001317799.2, NM_001345856.2); short protein forms T88S, T89S.
Identifiers: ClinVar variation 966417 (VCV000966417.7), dbSNP rs1728497805, ClinGen allele CA358099513.
Genomic context (GRCh38, chr4:122,927,736, plus strand): 5'-ATCTTGGACTCAACACTATGAAGTCTGCAAATATATGTATAGGTCGACCAGTGTTGCTTA[C>G]TAGTTTGAACGGAAAGCAAGAGGTAAGAGTCTTTTTCATTTCCTTAGTTTAGAAATACAA-3'
Protein context (NP_660208.2, residues 79-99): NICIGRPVLL[Thr89Ser]SLNGKQEVYT